The following is an entry in ClinVar:

ClinVar aggregate classification (germline): Pathogenic (1 of 4 stars; one submission).

Conditions:
Dilated cardiomyopathy 1J (CMD1J). Also called: CARDIOMYOPATHY, DILATED, WITH SENSORINEURAL HEARING LOSS, AUTOSOMAL DOMINANT. Identifiers: Orphanet 217622, MedGen C1854368, MONDO:0011541, OMIM 605362.

Submission:

Labcorp Genetics (formerly Invitae), Labcorp
Classification: Pathogenic for Dilated cardiomyopathy 1J. Last evaluated: 2023-02-02. Review status: criteria provided, single submitter. Criteria: Invitae Variant Classification Sherloc (09022015). Collection method: clinical testing. Allele origin: germline.
Comment: This variant has not been reported in the literature in individuals affected with EYA4-related conditions. For these reasons, this variant has been classified as Pathogenic. This variant disrupts a region of the EYA4 protein in which other variant(s) (p.Lys612*) have been determined to be pathogenic (PMID: 30123251). This suggests that this is a clinically significant region of the protein, and that variants that disrupt it are likely to be disease-causing. Algorithms developed to predict the effect of sequence changes on RNA splicing suggest that this variant may disrupt the consensus splice site. This variant is not present in population databases (gnomAD no frequency). This sequence change results in a frameshift in the EYA4 gene (p.Gly593Trpfs*69). While this is not anticipated to result in nonsense mediated decay, it is expected to disrupt the last 47 amino acid(s) of the EYA4 protein and extend the protein by 21 additional amino acid residues.

Literature cited by the submitters: PubMed 30123251.

NM_004100.5(EYA4):c.1776dup (p.Gly593fs)

Genes: EYA4 (EYA transcriptional coactivator and phosphatase 4; plus strand), TARID (TCF21 antisense RNA inducing promoter demethylation; minus strand). Cytogenetic location: 6q23.2.
Variant type: Duplication.
Coding change: c.1776dup on transcript NM_004100.5 (MANE Select); coding-DNA position 1776, one base duplicated (T; older notation c.1776dupT).
Protein change: p.Gly593fs; shifts the reading frame from glycine 593.
Molecular consequence: frameshift variant. On other transcripts: intron variant (3).
Genome position (GRCh38, 1-based): chr6:133,525,191, T duplicated; the last of 3 consecutive T bases (chr6:133,525,189-133,525,191); duplicating any one gives the same sequence. VCF-style (leftmost placement, unchanged base first): chr6-133525188-G-GT. GRCh37 (hg19) VCF-style: chr6-133846326-G-GT.
Other names: c.1794dup, p.Gly599fs (NM_001301013.2); c.1632dup, p.Gly545fs (NM_001370459.1); c.1707dup, p.Gly570fs (NM_172103.4); c.1839+76dup (NM_172105.4); c.1770+76dup (NM_001370458.1); c.1677+76dup (NM_001301012.2); short protein forms G545fs, G570fs, G593fs, G599fs.
Identifiers: ClinVar variation 2833829 (VCV002833829.3), dbSNP rs2535525055, ClinGen allele CA2739266154.